The following is an entry in ClinVar:

NM_001371279.1(REEP1):c.293C>G (p.Ser98Ter)

Gene: REEP1 (receptor accessory protein 1; minus strand). Cytogenetic location: 2p11.2.
Variant type: single nucleotide variant.
Coding change: c.293C>G on transcript NM_001371279.1 (MANE Select); coding-DNA position 293, C replaced by G.
Protein change: p.Ser98Ter; replaces serine 98 with a stop codon.
Molecular consequence: nonsense. On other transcripts: intron variant (1).
Genome position (GRCh38, 1-based): chr2:86,254,704, G>C on the plus strand (C>G on the coding strand, the complement: REEP1 is on the minus strand). VCF-style: chr2-86254704-G-C. GRCh37 (hg19) VCF-style: chr2-86481827-G-C.
Other names: c.314C>G, p.Ser105Ter (NM_001164730.2); c.212C>G, p.Ser71Ter (NM_001164731.2); c.293C>G, p.Ser98Ter (NM_001371280.1, NM_001410855.1, NM_001410856.1 and 1 more transcripts); c.182+9261C>G (NM_001164732.2); short protein forms S105*, S71*, S98*.
Identifiers: ClinVar variation 4292047 (VCV004292047.1).

ClinVar aggregate classification (germline): Likely pathogenic (1 of 4 stars; one submission).

Conditions:
Hereditary spastic paraplegia 31. Also called: SPASTIC PARAPLEGIA 31, AUTOSOMAL DOMINANT. Identifiers: Orphanet 101011, MedGen C1853247, MONDO:0012453, OMIM 610250.

Submission:

3billion
Classification: Likely pathogenic for Hereditary spastic paraplegia 31. Last evaluated: 2024-07-22. Review status: criteria provided, single submitter. Criteria: ACMG Guidelines, 2015. Collection method: clinical testing. Allele origin: germline. Affected: yes.
Comment: The variant is not observed in the gnomAD v4.0.0 dataset. Predicted Consequence/Location: Stop-gained (nonsense): predicted to result in a loss or disruption of normal protein function through nonsense-mediated decay (NMD) or protein truncation. Multiple pathogenic variants are reported downstream of the variant. Therefore, this variant is classified as Likely pathogenic according to the recommendation of ACMG/AMP guideline.